The following is an entry in ClinVar:

ClinVar aggregate classification (germline): Conflicting classifications of pathogenicity. Review status: criteria provided, conflicting classifications (1 of 4 stars). 3 submissions from 3 submitters: Uncertain significance (2); Likely benign (1). Last evaluated 2025-04-05.

Conditions:
Inborn genetic diseases. Identifiers: MedGen C0950123, MeSH D030342.
Nephrolithiasis, calcium oxalate. Also called: Calcium oxalate urolithiasis. Identifiers: MedGen C1833683, MONDO:0957318, HP:0008672.

Allele frequency attached by ClinVar (database versions not stated): gnomAD exomes 0.00001 and 0.00002; TOPMed 0.00003; gnomAD 0.00006; ESP Exome Variant Server 0.00016.
gnomAD v4.1: 40 of 1,561,054 alleles (0.0026%); highest among the groups gnomAD compares: Non-Finnish European, 0.003%; no homozygotes.

Submissions (3):

Ambry Genetics
Classification: Likely benign for Inborn genetic diseases. Last evaluated: 2025-04-05. Review status: criteria provided, single submitter. Criteria: Ambry Variant Classification Scheme 2023. Collection method: clinical testing. Allele origin: germline.

Labcorp Genetics (formerly Invitae), Labcorp
Classification: Uncertain significance. Last evaluated: 2024-04-05. Review status: criteria provided, single submitter. Criteria: Invitae Variant Classification Sherloc (09022015). Collection method: clinical testing. Allele origin: germline.
Comment: This sequence change replaces alanine, which is neutral and non-polar, with threonine, which is neutral and polar, at codon 511 of the SLC26A1 protein (p.Ala511Thr). The frequency data for this variant in the population databases is considered unreliable, as metrics indicate poor data quality at this position in the gnomAD database. This variant has not been reported in the literature in individuals affected with SLC26A1-related conditions. ClinVar contains an entry for this variant (Variation ID: 1450147). Advanced modeling of protein sequence and biophysical properties (such as structural, functional, and spatial information, amino acid conservation, physicochemical variation, residue mobility, and thermodynamic stability) performed at Invitae indicates that this missense variant is not expected to disrupt SLC26A1 protein function with a negative predictive value of 80%. In summary, the available evidence is currently insufficient to determine the role of this variant in disease. Therefore, it has been classified as a Variant of Uncertain Significance.

Fulgent Genetics
Classification: Uncertain significance for Nephrolithiasis susceptibility caused by SLC26A1. Last evaluated: 2022-03-18. Review status: criteria provided, single submitter. Criteria: ACMG Guidelines, 2015. Collection method: clinical testing. Allele origin: unknown.

NM_022042.4(SLC26A1):c.1531G>A (p.Ala511Thr)

Genes: IDUA (alpha-L-iduronidase; plus strand), SLC26A1 (solute carrier family 26 member 1; minus strand). Cytogenetic location: 4p16.3.
Variant type: single nucleotide variant.
Coding change: c.1531G>A on transcript NM_022042.4 (MANE Select); coding-DNA position 1531, G replaced by A.
Protein change: p.Ala511Thr; replaces alanine 511 with threonine.
Molecular consequence: missense variant. On other transcripts: intron variant (2).
Genome position (GRCh38, 1-based): chr4:989,408, C>T on the plus strand (G>A on the coding strand, the complement: SLC26A1 is on the minus strand). VCF-style: chr4-989408-C-T. GRCh37 (hg19) VCF-style: chr4-983196-C-T.
Other names: c.1531G>A, p.Ala511Thr (NM_213613.4); c.576+1720G>A (NM_134425.4); c.299+1459C>T (NM_000203.5); c.1531G>A (NM_213613.2); short protein forms A511T.
Identifiers: ClinVar variation 1450147 (VCV001450147.10), dbSNP rs369620087, ClinGen allele CA91147486.